The following is an entry in ClinVar:

ClinVar aggregate classification (germline): Conflicting classifications of pathogenicity. Review status: criteria provided, conflicting classifications (1 of 4 stars). 2 submissions from 2 submitters: Uncertain significance (1); Likely benign (1). Last evaluated 2025-10-05.

Conditions:
Inborn genetic diseases. Identifiers: MedGen C0950123, MeSH D030342.

Submissions (2):

Ambry Genetics
Classification: Likely benign for Inborn genetic diseases. Last evaluated: 2025-10-05. Review status: criteria provided, single submitter. Criteria: Ambry Variant Classification Scheme 2023. Collection method: clinical testing. Allele origin: germline.

Labcorp Genetics (formerly Invitae), Labcorp
Classification: Uncertain significance. Last evaluated: 2025-03-31. Review status: criteria provided, single submitter. Criteria: Invitae Variant Classification Sherloc (09022015). Collection method: clinical testing. Allele origin: germline.
Comment: This sequence change replaces methionine, which is neutral and non-polar, with isoleucine, which is neutral and non-polar, at codon 118 of the ANKRD26 protein (p.Met118Ile). This variant is present in population databases (no rsID available, gnomAD 0.003%). This variant has not been reported in the literature in individuals affected with ANKRD26-related conditions. An algorithm developed to predict the effect of missense changes on protein structure and function outputs the following: PolyPhen-2: "Benign". The isoleucine amino acid residue is found in multiple mammalian species, which suggests that this missense change does not adversely affect protein function. In summary, the available evidence is currently insufficient to determine the role of this variant in disease. Therefore, it has been classified as a Variant of Uncertain Significance.

NM_014915.3(ANKRD26):c.354G>A (p.Met118Ile)

Gene: ANKRD26 (ankyrin repeat domain 26; minus strand). Cytogenetic location: 10p12.1.
Variant type: single nucleotide variant.
Coding change: c.354G>A on transcript NM_014915.3 (MANE Select); coding-DNA position 354, G replaced by A.
Protein change: p.Met118Ile; replaces methionine 118 with isoleucine.
Molecular consequence: missense variant.
Genome position (GRCh38, 1-based): chr10:27,093,688, C>T on the plus strand (G>A on the coding strand, the complement: ANKRD26 is on the minus strand). VCF-style: chr10-27093688-C-T. GRCh37 (hg19) VCF-style: chr10-27382617-C-T.
Other names: c.354G>A, p.Met118Ile (NM_001256053.2); short protein forms M118I.
Identifiers: ClinVar variation 4579160 (VCV004579160.2).